The following is an entry in ClinVar:

UGT1A1*1

Genes: UGT1A (UDP glucuronosyltransferase family 1 member A complex locus; plus strand), UGT1A1 (UDP glucuronosyltransferase family 1 member A1; plus strand), UGT1A10 (UDP glucuronosyltransferase family 1 member A10; plus strand), UGT1A3 (UDP glucuronosyltransferase family 1 member A3; plus strand), UGT1A4 (UDP glucuronosyltransferase family 1 member A4; plus strand) and 5 more. Cytogenetic location: 2q37.1.
Variant type: Microsatellite.
Molecular consequence: intron variant (on NM_019076.5).
Genome position: GRCh38 VCF-style: chr2-233760235-TATATATATATATA-TATATATATATATA. GRCh37 (hg19) VCF-style: chr2-234668881-TATATATATATATA-TATATATATATATA.
Other names: (TA)6TAA; NM_000463.2(UGT1A1):c.-53TA[7]; c.-53_-52TA[7] (NM_000463.2); c.856-6799= (NM_019076.5, NM_019075.4, NM_021027.3 and 1 more transcripts); c.61-6799= (NM_205862.3); c.862-6799= (NM_001072.4); c.868-6799= (NM_019078.2, NM_007120.3, NM_019093.4).
Identifiers: ClinVar variation 549828 (VCV000549828.95).

ClinVar aggregate classification (germline): drug response (1 of 4 stars; one submission).

Conditions:
Irinotecan response. Also called: Camptosar response. Identifiers: MedGen CN077989.

Submission:

Medical Genetics Summaries
Classification: drug response for Irinotecan response. Last evaluated: 2018-04-04. Review status: criteria provided, single submitter. Criteria: Medical Genetics Summaries: Irinotecan therapy and UGT1A1 genotype. Collection method: curation. Allele origin: germline. Affected: yes.
Comment: Individuals who are homozygous for UGT1*1 (wild-type) metabolize irinotecan at normal or expected rate and do not have an increased risk of irinotecan toxicity, although toxicity may still occur.